The following is an entry in ClinVar:

ClinVar aggregate classification (germline): Pathogenic. Review status: criteria provided, multiple submitters, no conflicts (2 of 4 stars). 17 submissions from 17 submitters: Pathogenic (16). 1 of the submissions does not count toward it. Last evaluated 2026-06-29.

Conditions:
Neurodevelopmental disorder. Identifiers: MedGen C1535926, MeSH D065886, MONDO:0700092.
Spastic paraplegia. Identifiers: MedGen C0037772, HP:0001258.
APS41-related disorder.
AP4S1-related disorder.
Inborn genetic diseases. Identifiers: MedGen C0950123, MeSH D030342.
Intellectual disability. Also called: Intellectual developmental disorder; Intellectual functioning disability; intellectual disabilities. Identifiers: MedGen C3714756, MeSH D008607, MONDO:0001071, HP:0001249.
Hereditary spastic paraplegia 52 (SPG52). Also called: SPASTIC PARAPLEGIA 52, AUTOSOMAL RECESSIVE; CEREBRAL PALSY, SPASTIC QUADRIPLEGIC, 6. Identifiers: Orphanet 280763, MedGen C3279743, MONDO:0013552, OMIM 614067.

Submissions (17):

Laboratory of Medical Genetics, University of Torino
Classification: Pathogenic for Hereditary spastic paraplegia 52. Last evaluated: 2026-06-29. Review status: criteria provided, single submitter. Criteria: ACMG Guidelines, 2015. Collection method: clinical testing. Allele origin: biparental. Affected: yes.

Institute of Human Genetics, University of Leipzig Medical Center
Classification: Pathogenic for Hereditary spastic paraplegia 52. Last evaluated: 2025-07-30. Review status: criteria provided, single submitter. Criteria: ACMG Guidelines, 2015. Collection method: clinical testing. Allele origin: unknown. Inheritance: Autosomal recessive inheritance. Affected: yes.
Comment: Criteria applied: PVS1,PM3_STR,PM2

Ambry Genetics
Classification: Pathogenic for Inborn genetic diseases. Last evaluated: 2025-05-22. Review status: criteria provided, single submitter. Criteria: Ambry Variant Classification Scheme 2023. Collection method: clinical testing. Allele origin: germline.
Comment: The c.138+3_138+6delAAGT intronic variant, also known as c.137_140delAAGT, is located 3 nucleotides after coding exon 1 in the AP4S1 gene. This variant results from a deletion of 4 nucleotides at positions c.138+3 to c.138+6. The stop codon in the predicted resulting transcript occurs in the 5' end of the AP4S1 gene. As such, this alteration may escape nonsense-mediated mRNA decay and/or be prone to rescue by reinitation (Rivas, 2015; Lindeboom, 2016; Rhee, 2017). The exact functional effect of this alteration is unknown; however, the impacted region is critical for protein function and a significant portion of the protein is affected (Ambry internal data). Based on data from the Genome Aggregation Database (gnomAD) database, the AP4S1 c.138+3_138+6delAAGT alteration was observed in <0.01% (4/251148) of total alleles studied, with a frequency of <0.01% (4/113592) in the European (non-Finnish) subpopulation. This variant was detected as homozygous and compound heterozygous in multiple individuals with spastic paraplegia, intellectual disability, early-onset seizures, and other neurological findings consistent with AP4S1-related spastic parapelgia (Hardies, 2015; Tessa, 2016; Vill, 2017; Papuc, 2019). This nucleotide region is well conserved in available vertebrate species. In silico splice site analysis predicts that this alteration will weaken the native splice donor site. Based on the available evidence, this alteration is classified as pathogenic.

3billion
Classification: Pathogenic for Hereditary spastic paraplegia 52. Last evaluated: 2024-11-11. Review status: criteria provided, single submitter. Criteria: ACMG Guidelines, 2015. Collection method: clinical testing. Allele origin: germline. Affected: yes.
Comment: The variant is observed at an extremely low frequency in the gnomAD v4.1.0 dataset (total allele frequency: <0.001%). Predicted Consequence/Location: Canonical splice site: predicted to alter splicing and result in a loss or disruption of normal protein function. Multiple pathogenic loss-of-function variants are reported downstream of the variant. In silico tools predict the variant to alter splicing and produce an abnormal transcript [SpliceAI: 1.00 (spliceogenicity >=0.2, non-spliceogenicity <0.1)]. The variant has been reported at least twice as pathogenic with clinical assertions and evidence for the classification (ClinVar ID: VCV000234925 /PMID: 25552650). Therefore, this variant is classified as Pathogenic according to the recommendation of ACMG/AMP guideline.

Labcorp Genetics (formerly Invitae), Labcorp
Classification: Pathogenic for Spastic paraplegia. Last evaluated: 2024-09-06. Review status: criteria provided, single submitter. Criteria: Invitae Variant Classification Sherloc (09022015). Collection method: clinical testing. Allele origin: germline.
Comment: This sequence change falls in intron 2 of the AP4S1 gene. It does not directly change the encoded amino acid sequence of the AP4S1 protein. It affects a nucleotide within the consensus splice site. This variant is present in population databases (rs758873371, gnomAD 0.004%). This variant has been observed in individual(s) with AP4S1-related conditions (PMID: 25552650, 27444738, 28150420). In at least one individual the data is consistent with being in trans (on the opposite chromosome) from a pathogenic variant. It has also been observed to segregate with disease in related individuals. This variant is also known as c.137_140delAAGT. ClinVar contains an entry for this variant (Variation ID: 234925). Variants that disrupt the consensus splice site are a relatively common cause of aberrant splicing (PMID: 17576681, 9536098). Algorithms developed to predict the effect of sequence changes on RNA splicing suggest that this variant may disrupt the consensus splice site. For these reasons, this variant has been classified as Pathogenic.

Blueprint Genetics
Classification: Pathogenic for AP4S1-related disorders. Last evaluated: 2024-04-08. Review status: criteria provided, single submitter. Criteria: ACMG Guidelines, 2015. Collection method: clinical testing. Allele origin: germline. Affected: yes. Observed: 5 variant alleles.

GeneDx
Classification: Pathogenic. Last evaluated: 2023-03-24. Review status: criteria provided, single submitter. Criteria: GeneDx Variant Classification Process June 2021. Collection method: clinical testing. Allele origin: germline. Affected: yes.
Comment: Non-canonical splice site variant demonstrated to result in loss-of-function as mRNA levels were virtually absent in the samples from affected individuals homozygous for c.1383_138+6delAAGT (Tessa et al., 2016); Not observed at a significant frequency in large population cohorts (gnomAD); This variant is associated with the following publications: (PMID: 31915823, 30293248, 27444738, 28150420, 25552650, 30552426)

Clinical Genetics Laboratory, Skane University Hospital Lund
Classification: Pathogenic. Last evaluated: 2022-05-27. Review status: criteria provided, single submitter. Criteria: ACMG Guidelines, 2015. Collection method: clinical testing. Allele origin: germline. Affected: yes.

Laboratory of Medical Genetics, National & Kapodistrian University of Athens
Classification: Pathogenic for Hereditary spastic paraplegia 52. Last evaluated: 2022-01-24. Review status: criteria provided, single submitter. Criteria: ACMG Guidelines, 2015. Collection method: clinical testing. Allele origin: germline. Affected: yes.
Comment: PM2, PP3, PP5

Fulgent Genetics
Classification: Pathogenic for Hereditary spastic paraplegia 52. Last evaluated: 2022-01-14. Review status: criteria provided, single submitter. Criteria: ACMG Guidelines, 2015. Collection method: clinical testing. Allele origin: unknown.

Equipe Genetique des Anomalies du Developpement, Université de Bourgogne
Classification: Pathogenic for Hereditary spastic paraplegia 52. Last evaluated: 2021-10-28. Review status: criteria provided, single submitter. Criteria: ACMG Guidelines, 2015. Collection method: clinical testing. Allele origin: germline. Affected: yes.

CeGaT Center for Human Genetics Tuebingen
Classification: Pathogenic. Last evaluated: 2021-10-01. Review status: criteria provided, single submitter. Criteria: CeGaT Center For Human Genetics Tuebingen Variant Classification Criteria Version 2. Collection method: clinical testing. Allele origin: germline. Affected: yes. Observed: 1 variant allele.

Laboratory of Molecular Genetics (Pr. Bezieau's lab), CHU de Nantes
Classification: Pathogenic for Neurodevelopmental disorder. Last evaluated: 2021-02-24. Review status: criteria provided, single submitter. Criteria: ACMG Guidelines, 2015. Collection method: clinical testing. Allele origin: germline. Affected: yes.

Institute of Medical Genetics and Applied Genomics, University Hospital Tübingen
Classification: Pathogenic. Last evaluated: 2020-10-23. Review status: criteria provided, single submitter. Criteria: ACMG Guidelines, 2015. Collection method: clinical testing. Allele origin: germline. Inheritance: Unknown mechanism. Affected: yes.

Diagnostic Laboratory, Strasbourg University Hospital
Classification: Pathogenic for Intellectual disability. Last evaluated: 2020-09-10. Review status: criteria provided, single submitter. Criteria: ACMG Guidelines, 2015. Collection method: clinical testing. Allele origin: unknown. Affected: yes. Observed: 1 compound heterozygote.

Institute of Human Genetics Munich, TUM University Hospital
Classification: Pathogenic for Hereditary spastic paraplegia 52. Last evaluated: 2017-12-07. Review status: criteria provided, single submitter. Criteria: Classification criteria August 2017. Collection method: clinical testing. Allele origin: inherited. Inheritance: Autosomal recessive inheritance. Affected: yes. Observed: 1 homozygote.

OMIM
Classification: Pathogenic for SPASTIC PARAPLEGIA 52, AUTOSOMAL RECESSIVE. Last evaluated: 2018-06-21. Review status: no assertion criteria provided. Collection method: literature only. Allele origin: germline. Not counted in ClinVar's aggregate classification.

Literature cited by the submitters: PubMed 25552650 (cited by 4 submitters); PubMed 25954003 (cited by Ambry Genetics); PubMed 27444738 (cited by Ambry Genetics and Labcorp Genetics (formerly Invitae), Labcorp); PubMed 27618451 (cited by Ambry Genetics); PubMed 28150420 (cited by 3 submitters); PubMed 28490743 (cited by Ambry Genetics); PubMed 30552426 (cited by Ambry Genetics); PubMed 17576681 (cited by Labcorp Genetics (formerly Invitae), Labcorp); PubMed 9536098 (cited by Labcorp Genetics (formerly Invitae), Labcorp).

NM_001128126.3(AP4S1):c.138+3_138+6del

Gene: AP4S1 (adaptor related protein complex 4 subunit sigma 1; plus strand). Cytogenetic location: 14q12.
Variant type: Microsatellite.
Coding change: c.138+3_138+6del on transcript NM_001128126.3 (MANE Select); bases 3 to 6 of the intron after coding-DNA position 138, 4 bases deleted (AAGT; older notation c.138+3_138+6delAAGT).
Molecular consequence: splice donor variant.
Genome position (GRCh38, 1-based): chr14:31,066,337-31,066,340, AAGT deleted; deleting any 4 consecutive bases within chr14:31,066,333-31,066,340 gives the same sequence; the c. name uses the placement nearest the transcript's 3' end. VCF-style (leftmost placement, unchanged base first): chr14-31066332-CAAGT-C. GRCh37 (hg19) VCF-style: chr14-31535538-CAAGT-C.
Other names: c.138+3_138+6delAAGT (NM_007077.3, NM_001128126.3); c.138+3_138+6del (NM_001128126.2, NM_001254729.2, NM_001254727.2 and 3 more transcripts).
Identifiers: ClinVar variation 234925 (VCV000234925.55), dbSNP rs876661295, ClinGen allele CA7144150.